The following is an entry in ClinVar:

ClinVar aggregate classification (germline): Benign. Review status: criteria provided, multiple submitters, no conflicts (2 of 4 stars). 2 submissions from 2 submitters: Benign (2). Last evaluated 2018-06-16.

Allele frequency attached by ClinVar (database versions not stated): gnomAD 0.66920 and 0.67325; 1000 Genomes Project 0.66933; 1000 Genomes Project 30x 0.67130; TOPMed 0.67355.
gnomAD v4.1: 101,806 of 151,974 alleles (67%); highest among the groups gnomAD compares: African/African-American, 79%; 34,799 homozygotes.

Submissions (2):

GeneDx
Classification: Benign. Last evaluated: 2018-06-16. Review status: criteria provided, single submitter. Criteria: GeneDx Variant Classification (06012015). Collection method: clinical testing. Allele origin: germline. Affected: yes.
Comment: This variant is considered likely benign or benign based on one or more of the following criteria: it is a conservative change, it occurs at a poorly conserved position in the protein, it is predicted to be benign by multiple in silico algorithms, and/or has population frequency not consistent with disease.

Breakthrough Genomics
Classification: Benign. Review status: criteria provided, single submitter. Criteria: ACMG Guidelines, 2015. Collection method: not provided. Allele origin: germline. Inheritance: Autosomal recessive inheritance. Affected: yes.

NM_006031.6(PCNT):c.4217-226G>A

Gene: PCNT (pericentrin; plus strand). Cytogenetic location: 21q22.3.
Variant type: single nucleotide variant.
Coding change: c.4217-226G>A on transcript NM_006031.6 (MANE Select); 226 bases into the intron before coding-DNA position 4217, G replaced by A.
Molecular consequence: intron variant.
Genome position (GRCh38, 1-based): chr21:46,397,039, G>A. VCF-style: chr21-46397039-G-A. GRCh37 (hg19) VCF-style: chr21-47816953-G-A.
Other names: c.3863-226G>A (NM_001315529.2).
Identifiers: ClinVar variation 667804 (VCV000667804.2), dbSNP rs2186350, ClinGen allele CA14865582.